The following is an entry in ClinVar:

NM_001849.4(COL6A2):c.2133C>T (p.Tyr711=)

Gene: COL6A2 (collagen type VI alpha 2 chain; plus strand). Cytogenetic location: 21q22.3.
Variant type: single nucleotide variant.
Coding change: c.2133C>T on transcript NM_001849.4 (MANE Select); coding-DNA position 2133, C replaced by T.
Protein change: p.Tyr711=; no amino-acid change (tyrosine 711 retained).
Molecular consequence: synonymous variant.
Genome position (GRCh38, 1-based): chr21:46,125,948, C>T. VCF-style: chr21-46125948-C-T. GRCh37 (hg19) VCF-style: chr21-47545862-C-T.
Other names: c.2133C>T, p.Tyr711= (NM_058174.3, NM_058175.3).
Identifiers: ClinVar variation 772482 (VCV000772482.13), dbSNP rs531816975, ClinGen allele CA10072446.

ClinVar aggregate classification (germline): Likely benign. Review status: criteria provided, single submitter (1 of 4 stars). 2 submissions from 2 submitters: Likely benign (1). 1 of the submissions does not count toward it. Last evaluated 2023-03-21.

Conditions:
COL6A2-related disorder.
Bethlem myopathy 1A. Also called: Bethlem myopathy 1; Bethlem Muscular Dystrophy; MYOPATHY, BENIGN CONGENITAL, WITH CONTRACTURES. Identifiers: Orphanet 610, MedGen CN029274, MONDO:0024530, OMIM 158810.

Allele frequency attached by ClinVar (database versions not stated): TOPMed below 0.00001; gnomAD 0.00001; gnomAD exomes 0.00001 and 0.00002; ExAC 0.00002; 1000 Genomes Project 30x 0.00016; 1000 Genomes Project 0.00020.
gnomAD v4.1: 22 of 1,613,144 alleles (0.0014%); highest among the groups gnomAD compares: East Asian, 0.0089%; no homozygotes.

Submissions (2):

Labcorp Genetics (formerly Invitae), Labcorp
Classification: Likely benign for Bethlem myopathy 1A. Last evaluated: 2023-03-21. Review status: criteria provided, single submitter. Criteria: Invitae Variant Classification Sherloc (09022015). Collection method: clinical testing. Allele origin: germline.

PreventionGenetics, part of Exact Sciences
Classification: Likely benign for COL6A2-related condition. Last evaluated: 2019-05-22. Review status: no assertion criteria provided. Collection method: clinical testing. Allele origin: germline. Not counted in ClinVar's aggregate classification.
Comment: This variant is classified as likely benign based on ACMG/AMP sequence variant interpretation guidelines (Richards et al. 2015 PMID: 25741868, with internal and published modifications).